The following is an entry in ClinVar:

NM_000222.3(KIT):c.390C>G (p.Asn130Lys)

Gene: KIT (KIT proto-oncogene, receptor tyrosine kinase; plus strand). Cytogenetic location: 4q12.
Variant type: single nucleotide variant.
Coding change: c.390C>G on transcript NM_000222.3 (MANE Select); coding-DNA position 390, C replaced by G.
Protein change: p.Asn130Lys; replaces asparagine 130 with lysine.
Molecular consequence: missense variant.
Genome position (GRCh38, 1-based): chr4:54,698,336, C>G. VCF-style: chr4-54698336-C-G. GRCh37 (hg19) VCF-style: chr4-55564502-C-G.
Other names: c.390C>G, p.Asn130Lys (NM_001093772.2, NM_001385284.1, NM_001385285.1 and 4 more transcripts); short protein forms N130K.
Identifiers: ClinVar variation 1409331 (VCV001409331.8), dbSNP rs575926270, ClinGen allele CA356897488.

ClinVar aggregate classification (germline): Uncertain significance (1 of 4 stars; one submission).

Conditions:
Gastrointestinal stromal tumor. Also called: Gastrointestinal stroma tumor; Gastrointestinal stromal tumor, somatic. Identifiers: Orphanet 44890, MedGen C0238198, MeSH D046152, MONDO:0011719, OMIM 606764, HP:0100723.

gnomAD v4.1: 1 of 1,614,008 alleles (0.000062%); highest among the groups gnomAD compares: Non-Finnish European, 0.000085%; no homozygotes.

Submission:

Labcorp Genetics (formerly Invitae), Labcorp
Classification: Uncertain significance for Gastrointestinal stromal tumor. Last evaluated: 2021-06-02. Review status: criteria provided, single submitter. Criteria: Invitae Variant Classification Sherloc (09022015). Collection method: clinical testing. Allele origin: germline.
Comment: In summary, the available evidence is currently insufficient to determine the role of this variant in disease. Therefore, it has been classified as a Variant of Uncertain Significance. This sequence change replaces asparagine with lysine at codon 130 of the KIT protein (p.Asn130Lys). The asparagine residue is weakly conserved and there is a moderate physicochemical difference between asparagine and lysine. This variant is not present in population databases (ExAC no frequency). This variant has not been reported in the literature in individuals with KIT-related conditions. Algorithms developed to predict the effect of missense changes on protein structure and function (SIFT, PolyPhen-2, Align-GVGD) all suggest that this variant is likely to be tolerated, but these predictions have not been confirmed by published functional studies and their clinical significance is uncertain.